The following is an entry in ClinVar:

ClinVar aggregate classification (germline): Uncertain significance (1 of 4 stars; one submission).

Conditions:
Neurodevelopmental disorder with or without hyperkinetic movements and seizures, autosomal dominant. Also called: Intellectual disability, autosomal dominant 8. Identifiers: MedGen C3280282, MONDO:0013655, OMIM 614254.

Allele frequency attached by ClinVar (database versions not stated): gnomAD exomes below 0.00001.
gnomAD v4.1: 1 of 1,614,106 alleles (0.000062%); highest among the groups gnomAD compares: Admixed American, 0.0017%; no homozygotes.

Submission:

Labcorp Genetics (formerly Invitae), Labcorp
Classification: Uncertain significance for Neurodevelopmental disorder with or without hyperkinetic movements and seizures, autosomal dominant. Last evaluated: 2021-06-08. Review status: criteria provided, single submitter. Criteria: Invitae Variant Classification Sherloc (09022015). Collection method: clinical testing. Allele origin: germline.
Comment: This variant is not present in population databases (ExAC no frequency). This sequence change replaces proline with serine at codon 104 of the GRIN1 protein (p.Pro104Ser). The proline residue is highly conserved and there is a moderate physicochemical difference between proline and serine. This variant has been observed in individual(s) with clinical features of GRIN1-related conditions (Invitae). Advanced modeling of protein sequence and biophysical properties (such as structural, functional, and spatial information, amino acid conservation, physicochemical variation, residue mobility, and thermodynamic stability) performed at Invitae indicates that this missense variant is expected to disrupt GRIN1 protein function. In summary, the available evidence is currently insufficient to determine the role of this variant in disease. Therefore, it has been classified as a Variant of Uncertain Significance.

NM_007327.4(GRIN1):c.310C>T (p.Pro104Ser)

Gene: GRIN1 (glutamate ionotropic receptor NMDA type subunit 1; plus strand). Cytogenetic location: 9q34.3.
Variant type: single nucleotide variant.
Coding change: c.310C>T on transcript NM_007327.4 (MANE Select); coding-DNA position 310, C replaced by T.
Protein change: p.Pro104Ser; replaces proline 104 with serine.
Molecular consequence: missense variant.
Genome position (GRCh38, 1-based): chr9:137,142,064, C>T. VCF-style: chr9-137142064-C-T. GRCh37 (hg19) VCF-style: chr9-140036516-C-T.
Other names: c.310C>T, p.Pro104Ser (NM_000832.7, NM_001185090.2, NM_001185091.2 and 1 more transcripts); short protein forms P104S.
Identifiers: ClinVar variation 1473246 (VCV001473246.8), dbSNP rs2131196738, ClinGen allele CA375713619.
Genomic context (GRCh38, chr9:137,142,064, plus strand): 5'-TGTCCACAGGTCTACGCCATCCTAGTTAGCCATCCACCTACCCCCAACGACCACTTCACT[C>T]CCACCCCTGTCTCCTACACAGCCGGCTTCTACCGCATACCCGTGCTGGGGCTGACCACCC-3'
Protein context (NP_015566.1, residues 94-114): HPPTPNDHFT[Pro104Ser]TPVSYTAGFY